The following is an entry in ClinVar:

NM_000059.4(BRCA2):c.1389_1390del (p.Val464fs)

Gene: BRCA2 (BRCA2 DNA repair associated; plus strand). Cytogenetic location: 13q13.1.
Variant type: Deletion.
Coding change: c.1389_1390del on transcript NM_000059.4 (MANE Select); coding-DNA positions 1389 to 1390, 2 bases deleted (AG; older notation c.1389_1390delAG).
Protein change: p.Val464fs; shifts the reading frame from valine 464.
Molecular consequence: frameshift variant.
Genome position (GRCh38, 1-based): chr13:32,332,867-32,332,868, AG deleted. VCF-style (leftmost placement, unchanged base first): chr13-32332866-CAG-C. GRCh37 (hg19) VCF-style: chr13-32907003-CAG-C.
Other names: 1617_1618delAG; 1617delAG; c.1389_1390delAG (NM_000059.3).
Identifiers: ClinVar variation 51113 (VCV000051113.59), dbSNP rs80359283, ClinGen allele CA011849.
Genomic context (GRCh38, chr13:32,332,866, plus strand): 5'-AGAATTCTTTGCCACGTATTTCTAGCCTACCAAAATCAGAGAAGCCATTAAATGAGGAAA[CAG>C]TGGTAAATAAGAGAGATGAAGAGCAGCATCTTGAATCTCATACAGACTGCATTCTTGCAG-3'

ClinVar aggregate classification (germline): Pathogenic. Review status: reviewed by expert panel (3 of 4 stars). 22 submissions from 22 submitters: Pathogenic (1). 21 of the submissions do not count toward it. Last evaluated 2016-04-22.

Conditions:
BRCA2-related disorder. Also called: BRCA2-related condition; BRCA2-related disorders. Identifiers: MedGen CN239275.
BRCA2-related cancer predisposition. Identifiers: MedGen CN377758, MONDO:0700269.
Hereditary cancer-predisposing syndrome. Also called: Tumor predisposition; Neoplastic Syndromes, Hereditary; Hereditary neoplastic syndrome; Hereditary Cancer Syndrome. Identifiers: Orphanet 140162, MedGen C0027672, MeSH D009386, MONDO:0015356.
Gastric cancer. Also called: Malignant tumor of stomach; Stomach cancer. Identifiers: MedGen C0024623, MeSH D013274, MONDO:0001056, OMIM 613659, HP:0012126.
Hereditary breast ovarian cancer syndrome. Also called: Hereditary breast and ovarian cancer; BRCA1- and BRCA2-Associated Hereditary Breast and Ovarian Cancer; Hereditary breast and/or ovarian cancer syndrome; Hereditary breast and ovarian cancer syndrome; Breast and ovarian cancer; Hereditary breast and ovarian cancer syndrome (HBOC). Identifiers: Orphanet 145, MedGen C0677776, MeSH D061325, MONDO:0003582. Disease mechanism: loss of function.
Breast-ovarian cancer, familial, susceptibility to, 2 (BROVCA2). Also called: BRCA2 Hereditary Breast and Ovarian Cancer. Identifiers: Orphanet 145, MedGen C2675520, MONDO:0012933, OMIM 612555. Disease mechanism: loss of function.
Familial cancer of breast. Also called: BREAST CANCER, FAMILIAL; hereditary breast carcinoma; Hereditary breast cancer. Identifiers: Orphanet 227535, MedGen C0346153, MONDO:0016419, OMIM 114480. Disease mechanism: loss of function.

Allele frequency attached by ClinVar (database versions not stated): gnomAD exomes below 0.00001.

Submissions 1 to 8 of 22:

Evidence-based Network for the Interpretation of Germline Mutant Alleles (ENIGMA)
Classification: Pathogenic for Breast-ovarian cancer, familial, susceptibility to, 2. Last evaluated: 2016-04-22. Review status: reviewed by expert panel. Criteria: ENIGMA BRCA1/2 Classification Criteria (2015). Collection method: curation. Allele origin: germline.
Comment: Variant allele predicted to encode a truncated non-functional protein.

Labcorp Genetics (formerly Invitae), Labcorp
Classification: Pathogenic for Hereditary breast ovarian cancer syndrome. Last evaluated: 2025-11-26. Review status: criteria provided, single submitter. Criteria: Invitae Variant Classification Sherloc (09022015). Collection method: clinical testing. Allele origin: germline. Not counted in ClinVar's aggregate classification.
Comment: This sequence change creates a premature translational stop signal (p.Val464Glyfs*3) in the BRCA2 gene. It is expected to result in an absent or disrupted protein product. Loss-of-function variants in BRCA2 are known to be pathogenic (PMID: 20104584). This variant is not present in population databases (gnomAD no frequency). This premature translational stop signal has been observed in individual(s) with breast and ovarian cancer (PMID: 10227398, 15024741, 16683254, 24549055, 26681312). This variant is also known as 1617delAG. ClinVar contains an entry for this variant (Variation ID: 51113). For these reasons, this variant has been classified as Pathogenic.

Ambry Genetics
Classification: Pathogenic for Hereditary cancer-predisposing syndrome. Last evaluated: 2025-11-18. Review status: criteria provided, single submitter. Criteria: Ambry Variant Classification Scheme 2023. Collection method: clinical testing. Allele origin: germline. Not counted in ClinVar's aggregate classification.
Comment: The c.1389_1390delAG pathogenic mutation, located in coding exon 9 of the BRCA2 gene, results from a deletion of two nucleotides between nucleotide positions 1389 and 1390, causing a translational frameshift with a predicted alternate stop codon (p.V464Gfs*3). This variant is considered to be rare based on population cohorts in the Genome Aggregation Database (gnomAD). This alteration is expected to result in loss of function by premature protein truncation or nonsense-mediated mRNA decay. As such, this alteration is interpreted as a disease-causing mutation.

ARUP Laboratories, Molecular Genetics and Genomics, ARUP Laboratories
Classification: Pathogenic. Last evaluated: 2024-11-13. Review status: criteria provided, single submitter. Criteria: ARUP Molecular Germline Variant Investigation Process 2024. Collection method: clinical testing. Allele origin: germline. Not counted in ClinVar's aggregate classification.
Comment: The BRCA2 c.1389_1390del; p.Val464GlyfsTer3 variant (rs80359283, ClinVar Variation ID: 51113), also known as 1617delAG, is reported in the literature in individuals affected with breast and/or ovarian cancer (selected references: Claes 2004, Foretova 2004, Goelen 1999, Momozawa 2018). This variant is absent from the Genome Aggregation Database (v2.1.1), indicating it is not a common polymorphism. This variant causes a frameshift by deleting two nucleotides, so it is predicted to result in a truncated protein or mRNA subject to nonsense-mediated decay. Based on available information, this variant is considered to be pathogenic. References: Claes K et al. BRCA1 and BRCA2 germline mutation spectrum and frequencies in Belgian breast/ovarian cancer families. Br J Cancer. 2004 Mar 22;90(6):1244-51. PMID: 15026808. Foretova L et al. BRCA1 and BRCA2 mutations in women with familial or early-onset breast/ovarian cancer in the Czech Republic. Hum Mutat. 2004 Apr;23(4):397-8. PMID: 15024741. Goelen G et al. High frequency of BRCA1/2 germline mutations in 42 Belgian families with a small number of symptomatic subjects. J Med Genet. 1999 Apr;36(4):304-8. PMID: 10227398. Momozawa Y et al. Germline pathogenic variants of 11 breast cancer genes in 7,051 Japanese patients and 11,241 controls. Nat Commun. 2018 Oct 4;9(1):4083. PMID: 30287823.

Blueprint Genetics
Classification: Pathogenic for BRCA2-related disorders. Last evaluated: 2024-09-24. Review status: criteria provided, single submitter. Criteria: ACMG Guidelines, 2015. Collection method: clinical testing. Allele origin: germline. Affected: yes. Observed: 2 variant alleles. Not counted in ClinVar's aggregate classification.

Color Diagnostics, LLC DBA Color Health
Classification: Pathogenic for Hereditary cancer-predisposing syndrome. Last evaluated: 2024-09-17. Review status: criteria provided, single submitter. Criteria: ACMG Guidelines, 2015. Collection method: clinical testing. Allele origin: germline. Not counted in ClinVar's aggregate classification.
Comment: This variant deletes 2 nucleotides in exon 10 of the BRCA2 gene, creating a frameshift and premature translation stop signal. This variant is expected to result in an absent or non-functional protein product. This variant has been reported in at least 5 individuals affected with breast or ovarian cancer, including 2 male individuals (PMID: 21190077, 22711857, 24549055, 30287823, 34490083) and has been identified in 27 families among the CIMBA participants (PMID: 29446198). This variant has been detected in a breast cancer case-control meta-analysis in 12/60466 cases and 6/53461 unaffected individuals (PMID: 33471991; Leiden Open Variation Database DB-ID BRCA1_001194). This variant has not been identified in the general population by the Genome Aggregation Database (gnomAD). Loss of BRCA2 function is a known mechanism of disease. Based on the available evidence, this variant is classified as Pathogenic.

Genetic Services Laboratory, University of Chicago
Classification: Pathogenic. Last evaluated: 2024-08-05. Review status: criteria provided, single submitter. Criteria: ACMG Guidelines, 2015. Collection method: clinical testing. Allele origin: germline. Affected: yes. Not counted in ClinVar's aggregate classification.
Comment: DNA sequence analysis of the BRCA2 gene demonstrated a two base pair deletion in exon 10, c.1389_1390del. This sequence change results in an amino acid frameshift and creates a premature stop codon two amino acids downstream of the change, p.Val464Glyfs*3. This sequence change is predicted to result in an abnormal transcript, which may be degraded, or may lead to the production of a truncated BRCA2 protein with potentially abnormal function. The c.1389_1390del sequence change has not been described in population databases such as ExAC and gnomAD (dbSNP rs80359283). This sequence change has been reported in several individuals with breast and/or ovarian cancer (PMID: 10227398, 26681312, 24549055, 18489799, 16683254, 15024741, 34490083). This sequence change has also been reported as 1617delAG or 1617_1618delAG in the published literature. This sequence change has been classified as pathogenic by the expert panel variants in ClinVar. These collective evidences indicates that this sequence change is pathogenic.

Baylor Genetics
Classification: Pathogenic for Familial cancer of breast. Last evaluated: 2024-01-05. Review status: criteria provided, single submitter. Criteria: ACMG Guidelines, 2015. Collection method: clinical testing. Allele origin: unknown. Not counted in ClinVar's aggregate classification.